The following is an entry in ClinVar:

NM_007294.4(BRCA1):c.135-7T>C

Gene: BRCA1 (BRCA1 DNA repair associated; minus strand). Cytogenetic location: 17q21.31.
Variant type: single nucleotide variant.
Coding change: c.135-7T>C on transcript NM_007294.4 (MANE Select); 7 bases into the intron before coding-DNA position 135, T replaced by C.
Molecular consequence: intron variant.
Genome position (GRCh38, 1-based): chr17:43,106,540, A>G on the plus strand (T>C on the coding strand, the complement: BRCA1 is on the minus strand). VCF-style: chr17-43106540-A-G. GRCh37 (hg19) VCF-style: chr17-41258557-A-G.
Other names: c.-7-7T>C (NM_001407920.1, NM_001407696.1, NM_001407751.1 and 99 more transcripts); c.-54-7T>C (NM_001407954.1, NM_001407896.1, NM_001407900.1 and 58 more transcripts); c.135-7T>C (NM_001408422.1, NM_001408450.1, NM_001408434.1 and 167 more transcripts); c.135-1584T>C (NM_001407874.1, NM_001408416.1, NM_001408414.1 and 21 more transcripts); c.-218-11680T>C (NM_001407967.1, NM_001407966.1); c.-169-1584T>C (NM_001407959.1, NM_001407962.1, NM_001408512.1 and 4 more transcripts); c.81-1584T>C (NM_001408451.1).
Identifiers: ClinVar variation 531504 (VCV000531504.12), dbSNP rs1555597333, ClinGen allele CA658798844.

ClinVar aggregate classification (germline): Likely benign (1 of 4 stars; one submission).

Conditions:
Hereditary breast ovarian cancer syndrome. Also called: Breast and ovarian cancer; Hereditary breast and/or ovarian cancer syndrome; BRCA1- and BRCA2-Associated Hereditary Breast and Ovarian Cancer; Hereditary breast and ovarian cancer syndrome; Hereditary breast and ovarian cancer syndrome (HBOC); Hereditary breast and ovarian cancer. Identifiers: Orphanet 145, MedGen C0677776, MeSH D061325, MONDO:0003582. Disease mechanism: loss of function.

Submissions (2):

Labcorp Genetics (formerly Invitae), Labcorp
Classification: Likely benign for Hereditary breast ovarian cancer syndrome. Last evaluated: 2017-11-23. Review status: criteria provided, single submitter. Criteria: Invitae Variant Classification Sherloc (09022015). Collection method: clinical testing. Allele origin: germline.

Brotman Baty Institute, University of Washington
No classification provided (evidence only). Condition: Breast-ovarian cancer, familial 1. Review status: no classification provided. Collection method: in vitro. Allele origin: not applicable. Functional consequence: functionally_normal. Not counted in ClinVar's aggregate classification.
ClinVar note: "not provided" was previously submitted as the classification for the variant. However, the classification appeared to be based only on an observation of functional data so it was converted to no classification on 2025-07-30.